The following is an entry in ClinVar:

ClinVar aggregate classification (germline): Uncertain significance (1 of 4 stars; one submission).

Submission:

Labcorp Genetics (formerly Invitae), Labcorp
Classification: Uncertain significance. Last evaluated: 2024-11-18. Review status: criteria provided, single submitter. Criteria: Invitae Variant Classification Sherloc (09022015). Collection method: clinical testing. Allele origin: germline.
Comment: This sequence change falls in intron 11 of the CHD8 gene. It does not directly change the encoded amino acid sequence of the CHD8 protein. This variant is not present in population databases (gnomAD no frequency). This variant has not been reported in the literature in individuals affected with CHD8-related conditions. ClinVar contains an entry for this variant (Variation ID: 2728133). Algorithms developed to predict the effect of sequence changes on RNA splicing suggest that this variant may create or strengthen a splice site. In summary, the available evidence is currently insufficient to determine the role of this variant in disease. Therefore, it has been classified as a Variant of Uncertain Significance.

NM_001170629.2(CHD8):c.2487-6C>A

Gene: CHD8 (chromodomain helicase DNA binding protein 8; minus strand). Cytogenetic location: 14q11.2.
Variant type: single nucleotide variant.
Coding change: c.2487-6C>A on transcript NM_001170629.2 (MANE Select); 6 bases into the intron before coding-DNA position 2487, C replaced by A.
Molecular consequence: intron variant.
Genome position (GRCh38, 1-based): chr14:21,408,561, G>T on the plus strand (C>A on the coding strand, the complement: CHD8 is on the minus strand). VCF-style: chr14-21408561-G-T. GRCh37 (hg19) VCF-style: chr14-21876720-G-T.
Other names: c.1650-6C>A (NM_020920.4).
Identifiers: ClinVar variation 2728133 (VCV002728133.3), dbSNP rs2501923972, ClinGen allele CA2697551972.
Genomic context (GRCh38, chr14:21,408,561, plus strand): 5'-AATGGACTGAATAGTTTTGCCCAATCCCATCTCATCAGCCAGGATGCAGTTCTGCCTGCA[G>T]ATTCACCATGGGAAAAAAAAAATGTTAAAAGATACTATCTTTAAAAAAAATAGAGTATGT-3'